The following is an entry in ClinVar:

NC_000008.10:g.(?_144391611)_(144400276_?)del

Gene: TOP1MT (DNA topoisomerase I mitochondrial; minus strand). Cytogenetic location: 8q24.3.
Variant type: Deletion.
Identifiers: ClinVar variation 3245608 (VCV003245608.1).

ClinVar aggregate classification (germline): Uncertain significance (1 of 4 stars; one submission).

Submission:

Labcorp Genetics (formerly Invitae), Labcorp
Classification: Uncertain significance. Last evaluated: 2023-03-01. Review status: criteria provided, single submitter. Criteria: Invitae Variant Classification Sherloc (09022015). Collection method: clinical testing. Allele origin: unknown.
Comment: This variant is a gross deletion of the genomic region encompassing exon(s) 9-14 of the TOP1MT gene, which includes the termination codon. This deletion extends beyond the assayed region for this gene and therefore may encompass additional genes. While this deletion is not anticipated to lead to nonsense mediated decay, it is expected to alter mRNA translation or result in a truncated protein product. This variant has not been reported in the literature in individuals affected with TOP1MT-related conditions. Experimental studies and prediction algorithms are not available or were not evaluated, and the functional significance of this variant is currently unknown. In summary, the available evidence is currently insufficient to determine the role of this variant in disease. Therefore, it has been classified as a Variant of Uncertain Significance.